The following is an entry in ClinVar:

NM_001142800.2(EYS):c.7507G>A (p.Glu2503Lys)

Gene: EYS (EGF-like photoreceptor maintenance factor; minus strand). Cytogenetic location: 6q12.
Variant type: single nucleotide variant.
Coding change: c.7507G>A on transcript NM_001142800.2 (MANE Select); coding-DNA position 7507, G replaced by A.
Protein change: p.Glu2503Lys; replaces glutamic acid 2503 with lysine.
Molecular consequence: missense variant.
Genome position (GRCh38, 1-based): chr6:63,789,129, C>T on the plus strand (G>A on the coding strand, the complement: EYS is on the minus strand). VCF-style: chr6-63789129-C-T. GRCh37 (hg19) VCF-style: chr6-64499022-C-T.
Other names: c.7507G>A, p.Glu2503Lys (NM_001292009.2); short protein forms E2503K.
Identifiers: ClinVar variation 557040 (VCV000557040.8), dbSNP rs768964978, ClinGen allele CA3876806.

ClinVar aggregate classification (germline): Uncertain significance. Review status: criteria provided, multiple submitters, no conflicts (2 of 4 stars). 5 submissions from 5 submitters: Uncertain significance (4). 1 of the submissions does not count toward it. Last evaluated 2026-02-23.

Conditions:
EYS-related disorder. Also called: EYS-related condition.
Retinitis pigmentosa 25 (RP25). Identifiers: Orphanet 791, MedGen C1864446, MONDO:0011272, OMIM 602772.

Allele frequency attached by ClinVar (database versions not stated): gnomAD 0.00009 and 0.00011; gnomAD exomes 0.00010 and 0.00016; TOPMed 0.00013; ExAC 0.00009.
gnomAD v4.1: 161 of 1,551,554 alleles (0.01%); highest among the groups gnomAD compares: Admixed American, 0.057%; 1 homozygote.

Submissions (5):

PreventionGenetics, part of Exact Sciences
Classification: Uncertain significance for EYS-related condition. Last evaluated: 2026-02-23. Review status: criteria provided, single submitter. Criteria: ACMG Guidelines, 2015. Collection method: clinical testing. Allele origin: germline.
Comment: The EYS c.7507G>A variant is predicted to result in the amino acid substitution p.Glu2503Lys. This variant was reported, along with another intronic variant in the same gene, in an individual with retinitis pigmentosa (Barragán et al. 2010. PubMed ID: 21069908). However, this variant is reported in 0.059% of alleles in individuals of Latino descent in gnomAD, which may be too frequent to be a primary cause of disease. Although we suspect that this variant may be benign, at this time, the clinical significance of this variant is uncertain due to the absence of conclusive functional and genetic evidence.

Blueprint Genetics
Classification: Uncertain significance. Last evaluated: 2023-11-24. Review status: criteria provided, single submitter. Criteria: ACMG Guidelines, 2015. Collection method: clinical testing. Allele origin: germline.

Labcorp Genetics (formerly Invitae), Labcorp
Classification: Uncertain significance. Last evaluated: 2022-09-06. Review status: criteria provided, single submitter. Criteria: Invitae Variant Classification Sherloc (09022015). Collection method: clinical testing. Allele origin: germline.
Comment: This sequence change replaces glutamic acid, which is acidic and polar, with lysine, which is basic and polar, at codon 2503 of the EYS protein (p.Glu2503Lys). This variant is present in population databases (rs768964978, gnomAD 0.06%). This missense change has been observed in individual(s) with retinitis pigmentosa (PMID: 21069908). ClinVar contains an entry for this variant (Variation ID: 557040). Algorithms developed to predict the effect of missense changes on protein structure and function output the following: SIFT: "Tolerated"; PolyPhen-2: "Benign"; Align-GVGD: "Class C0". The lysine amino acid residue is found in multiple mammalian species, which suggests that this missense change does not adversely affect protein function. In summary, the available evidence is currently insufficient to determine the role of this variant in disease. Therefore, it has been classified as a Variant of Uncertain Significance.

Fulgent Genetics
Classification: Uncertain significance for Retinitis pigmentosa 25. Last evaluated: 2021-11-17. Review status: criteria provided, single submitter. Criteria: ACMG Guidelines, 2015. Collection method: clinical testing. Allele origin: unknown.

Counsyl
Classification: Uncertain significance for Retinitis pigmentosa 25. Last evaluated: 2018-03-06. Review status: no assertion criteria provided. Collection method: clinical testing. Allele origin: unknown. Not counted in ClinVar's aggregate classification.

Literature cited by the submitters: PubMed 21069908 (cited by Labcorp Genetics (formerly Invitae), Labcorp and Counsyl).